The following is an entry in ClinVar:

NM_000501.4(ELN):c.1918+5G>A

Gene: ELN (elastin; plus strand). Cytogenetic location: 7q11.23.
Variant type: single nucleotide variant.
Coding change: c.1918+5G>A on transcript NM_000501.4 (MANE Select); 5 bases into the intron after coding-DNA position 1918, G replaced by A.
Molecular consequence: intron variant.
Genome position (GRCh38, 1-based): chr7:74,063,374, G>A. VCF-style: chr7-74063374-G-A. GRCh37 (hg19) VCF-style: chr7-73477704-G-A.
Other names: c.1933+5G>A (NM_001081754.3); c.1876+5G>A (NM_001081753.3); c.2104+5G>A (NM_001278939.2); c.1936+5G>A (NM_001278915.2); c.1918+5G>A (NM_001278912.2, NM_000501.3); c.1861+5G>A (NM_001081755.3); c.1774+5G>A (NM_001278916.2); c.1675+5G>A (NM_001278913.2); and 4 more.
Identifiers: ClinVar variation 3704408 (VCV003704408.3), dbSNP rs863223517.
Genomic context (GRCh38, chr7:74,063,374, plus strand): 5'-CGGACCCGCCGCCGCCGCTGCCGCAGCCAAAGCTGCTGCCAAAGCCGCCCAGTTTGGTGA[G>A]CACTGGGTGGAGGTGGGAGCTGCCGCCAGGCCCCCAGGCCCCCAGGGTGTGGGAGGAGCT-3'

ClinVar aggregate classification (germline): Uncertain significance. Review status: criteria provided, multiple submitters, no conflicts (2 of 4 stars). 2 submissions from 2 submitters: Uncertain significance (2). Last evaluated 2026-08-03.

Conditions:
ELN-related disorder.
Supravalvar aortic stenosis (SVAS). Also called: Supravalvar aortic stenosis, Eisenberg type. Identifiers: Orphanet 3193, MedGen C0003499, MONDO:0008504, OMIM 185500, HP:0004381.

Submissions (2):

PreventionGenetics, part of Exact Sciences
Classification: Uncertain significance for ELN-related condition. Last evaluated: 2026-08-03. Review status: criteria provided, single submitter. Criteria: ACMG Guidelines, 2015. Collection method: clinical testing. Allele origin: germline.
Comment: The ELN c.1918+5G>A variant is predicted to interfere with splicing. To our knowledge, this variant has not been reported in the literature or in a large population database (gnomAD), indicating this variant is rare. Although we suspect that this variant may be pathogenic, at this time, the clinical significance of this variant is uncertain due to the absence of conclusive functional and genetic evidence.

Labcorp Genetics (formerly Invitae), Labcorp
Classification: Uncertain significance for Supravalvar aortic stenosis. Last evaluated: 2025-11-20. Review status: criteria provided, single submitter. Criteria: Invitae Variant Classification Sherloc (09022015). Collection method: clinical testing. Allele origin: germline.
Comment: This sequence change falls in intron 29 of the ELN gene. It does not directly change the encoded amino acid sequence of the ELN protein. It affects a nucleotide within the consensus splice site. This variant is not present in population databases (gnomAD no frequency). This variant has not been reported in the literature in individuals affected with ELN-related conditions. ClinVar contains an entry for this variant (Variation ID: 3704408). Variants that disrupt the consensus splice site are a relatively common cause of aberrant splicing (PMID: 17576681, 9536098). Algorithms developed to predict the effect of sequence changes on RNA splicing suggest that this variant may disrupt the consensus splice site. In summary, the available evidence is currently insufficient to determine the role of this variant in disease. Therefore, it has been classified as a Variant of Uncertain Significance.

Literature cited by the submitters: PubMed 17576681 (cited by Labcorp Genetics (formerly Invitae), Labcorp); PubMed 9536098 (cited by Labcorp Genetics (formerly Invitae), Labcorp).